The following is an entry in ClinVar:

ClinVar aggregate classification (germline): Benign/Likely benign. Review status: criteria provided, single submitter (1 of 4 stars). 2 submissions from 1 submitter: Benign (1); Likely benign (1). Last evaluated 2018-01-13.

Conditions:
Autosomal recessive nonsyndromic hearing loss 37. Identifiers: Orphanet 90636, MedGen C1843028, MONDO:0011912, OMIM 607821.
Autosomal dominant nonsyndromic hearing loss 22. Also called: Autosomal dominant nonsyndromic deafness 22; DFNA 22. Identifiers: Orphanet 228012, MedGen C2931767, MONDO:0011660, OMIM 606346.

Allele frequency attached by ClinVar (database versions not stated): gnomAD 0.00749 and 0.00767; TOPMed 0.01309; 1000 Genomes Project 0.01358; 1000 Genomes Project 30x 0.01421.

Submissions (2):

Illumina Laboratory Services, Illumina
Classification: Likely benign for Autosomal recessive nonsyndromic hearing loss 37. Last evaluated: 2018-01-13. Review status: criteria provided, single submitter. Criteria: ICSL Variant Classification Criteria 13 December 2019. Collection method: clinical testing. Allele origin: germline.
Comment: This variant was observed in the ICSL laboratory as part of a predisposition screen in an ostensibly healthy population. It had not been previously curated by ICSL or reported in the Human Gene Mutation Database (HGMD: prior to June 1st, 2018), and was therefore a candidate for classification through an automated scoring system. Utilizing variant allele frequency, disease prevalence and penetrance estimates, and inheritance mode, an automated score was calculated to assess if this variant is too frequent to cause the disease. Based on the score and internal cut-off values, a variant classified as likely benign is not then subjected to further curation. The score for this variant resulted in a classification of likely benign for this disease.

Illumina Laboratory Services, Illumina
Classification: Benign for Autosomal dominant nonsyndromic hearing loss 22. Last evaluated: 2018-01-13. Review status: criteria provided, single submitter. Criteria: ICSL Variant Classification Criteria 13 December 2019. Collection method: clinical testing. Allele origin: germline.
Comment: This variant was observed in the ICSL laboratory as part of a predisposition screen in an ostensibly healthy population. It had not been previously curated by ICSL or reported in the Human Gene Mutation Database (HGMD: prior to June 1st, 2018), and was therefore a candidate for classification through an automated scoring system. Utilizing variant allele frequency, disease prevalence and penetrance estimates, and inheritance mode, an automated score was calculated to assess if this variant is too frequent to cause the disease. Based on the score and internal cut-off values, a variant classified as benign is not then subjected to further curation. The score for this variant resulted in a classification of benign for this disease.

NM_004999.4(MYO6):c.*2910T>A

Gene: MYO6 (myosin VI; plus strand). Cytogenetic location: 6q14.1.
Variant type: single nucleotide variant.
Coding change: c.*2910T>A on transcript NM_004999.4 (MANE Select); 2910 bases downstream of the stop codon, T replaced by A.
Molecular consequence: 3 prime UTR variant. On other transcripts: non-coding transcript variant (1).
Genome position (GRCh38, 1-based): chr6:75,917,922, T>A. VCF-style: chr6-75917922-T-A. GRCh37 (hg19) VCF-style: chr6-76627639-T-A.
Other names: c.*2910T>A (NM_001300899.2, NM_001368136.1, NM_001368137.1 and 3 more transcripts).
Identifiers: ClinVar variation 358036 (VCV000358036.5), dbSNP rs140495245, ClinGen allele CA10627646.